The following is an entry in ClinVar:

ClinVar aggregate classification (germline): Benign/Likely benign. Review status: criteria provided, multiple submitters, no conflicts (2 of 4 stars). 3 submissions from 3 submitters: Benign (2); Likely benign (1). Last evaluated 2026-02-01.

Conditions:
MEGF10-related myopathy (CMYO10A). Also called: Congenital myopathy 10A, severe variant. Identifiers: Orphanet 439212, MedGen C3280679, MONDO:0013731, OMIM 614399.

Allele frequency attached by ClinVar (database versions not stated): gnomAD exomes 0.00170 and 0.00040; ExAC 0.00175; 1000 Genomes Project 30x 0.00578; 1000 Genomes Project 0.00599; TOPMed 0.00077; gnomAD 0.00081 and 0.00103.

Submissions (3):

Labcorp Genetics (formerly Invitae), Labcorp
Classification: Benign for MEGF10-related myopathy. Last evaluated: 2026-02-01. Review status: criteria provided, single submitter. Criteria: Invitae Variant Classification Sherloc (09022015). Collection method: clinical testing. Allele origin: germline.

CeGaT Center for Human Genetics Tuebingen
Classification: Likely benign. Last evaluated: 2025-01-01. Review status: criteria provided, single submitter. Criteria: CeGaT Center For Human Genetics Tuebingen Variant Classification Criteria Version 2. Collection method: clinical testing. Allele origin: germline. Affected: yes. Observed: 1 variant allele.
Comment: MEGF10: BP4, BS1

GeneDx
Classification: Benign. Last evaluated: 2018-07-18. Review status: criteria provided, single submitter. Criteria: GeneDx Variant Classification Process June 2021. Collection method: clinical testing. Allele origin: germline. Affected: yes.

NM_001256545.2(MEGF10):c.117-5_117-4insC

Gene: MEGF10 (multiple EGF like domains 10; plus strand). Cytogenetic location: 5q23.2.
Variant type: Insertion.
Coding change: c.117-5_117-4insC on transcript NM_001256545.2 (MANE Select); 5 bases into the intron before coding-DNA position 117 through 4 bases into the intron before coding-DNA position 117, C inserted.
Molecular consequence: intron variant.
Genome position: GRCh38 VCF-style: chr5-127339115-T-TC. GRCh37 (hg19) VCF-style: chr5-126674807-T-TC.
Other names: c.117-5_117-4insC (NM_032446.3, NM_001308119.2, NM_001308121.2).
Identifiers: ClinVar variation 350635 (VCV000350635.31), dbSNP rs538399152, ClinGen allele CA3391180.